The following is an entry in ClinVar:

ClinVar aggregate classification (germline): Uncertain significance (1 of 4 stars; one submission).

Conditions:
Disseminated atypical mycobacterial infection. Identifiers: MedGen C0694566.

gnomAD v4.1: 2 of 1,614,002 alleles (0.00012%); highest among the groups gnomAD compares: Admixed American, 0.0017%; no homozygotes.

Submission:

Labcorp Genetics (formerly Invitae), Labcorp
Classification: Uncertain significance for Disseminated atypical mycobacterial infection. Last evaluated: 2024-09-03. Review status: criteria provided, single submitter. Criteria: Invitae Variant Classification Sherloc (09022015). Collection method: clinical testing. Allele origin: germline.
Comment: This sequence change replaces serine, which is neutral and polar, with phenylalanine, which is neutral and non-polar, at codon 379 of the IFNGR1 protein (p.Ser379Phe). This variant is not present in population databases (gnomAD no frequency). This variant has not been reported in the literature in individuals affected with IFNGR1-related conditions. Invitae Evidence Modeling of protein sequence and biophysical properties (such as structural, functional, and spatial information, amino acid conservation, physicochemical variation, residue mobility, and thermodynamic stability) indicates that this missense variant is not expected to disrupt IFNGR1 protein function with a negative predictive value of 80%. In summary, the available evidence is currently insufficient to determine the role of this variant in disease. Therefore, it has been classified as a Variant of Uncertain Significance.

NM_000416.3(IFNGR1):c.1136C>T (p.Ser379Phe)

Gene: IFNGR1 (interferon gamma receptor 1; minus strand). Cytogenetic location: 6q23.3.
Variant type: single nucleotide variant.
Coding change: c.1136C>T on transcript NM_000416.3 (MANE Select); coding-DNA position 1136, C replaced by T.
Protein change: p.Ser379Phe; replaces serine 379 with phenylalanine.
Molecular consequence: missense variant.
Genome position (GRCh38, 1-based): chr6:137,198,365, G>A on the plus strand (C>T on the coding strand, the complement: IFNGR1 is on the minus strand). VCF-style: chr6-137198365-G-A. GRCh37 (hg19) VCF-style: chr6-137519502-G-A.
Other names: c.1106C>T, p.Ser369Phe (NM_001363526.1); c.1013C>T, p.Ser338Phe (NM_001363527.1); short protein forms S338F, S369F, S379F.
Identifiers: ClinVar variation 3628610 (VCV003628610.2).